The following is an entry in ClinVar:

ClinVar aggregate classification (germline): Pathogenic (1 of 4 stars; one submission).

Conditions:
Mosaic variegated aneuploidy syndrome 1 (MVA1). Also called: Warburton-Anyane-Yeboa syndrome. Identifiers: Orphanet 1052, MedGen C1850343, MONDO:0009759, OMIM 257300.

Submission:

Labcorp Genetics (formerly Invitae), Labcorp
Classification: Pathogenic for Mosaic variegated aneuploidy syndrome 1. Last evaluated: 2024-07-22. Review status: criteria provided, single submitter. Criteria: Invitae Variant Classification Sherloc (09022015). Collection method: clinical testing. Allele origin: germline.
Comment: This sequence change creates a premature translational stop signal (p.Cys504*) in the BUB1B gene. It is expected to result in an absent or disrupted protein product. Loss-of-function variants in BUB1B are known to be pathogenic (PMID: 15475955, 21190457). This variant is not present in population databases (gnomAD no frequency). This variant has not been reported in the literature in individuals affected with BUB1B-related conditions. For these reasons, this variant has been classified as Pathogenic.

Literature cited by the submitters: PubMed 15475955; PubMed 21190457.

NM_001211.6(BUB1B):c.1512T>A (p.Cys504Ter)

Gene: BUB1B (BUB1 mitotic checkpoint serine/threonine kinase B; plus strand). Cytogenetic location: 15q15.1.
Variant type: single nucleotide variant.
Coding change: c.1512T>A on transcript NM_001211.6 (MANE Select); coding-DNA position 1512, T replaced by A.
Protein change: p.Cys504Ter; replaces cysteine 504 with a stop codon.
Molecular consequence: nonsense.
Genome position (GRCh38, 1-based): chr15:40,200,354, T>A. VCF-style: chr15-40200354-T-A. GRCh37 (hg19) VCF-style: chr15-40492555-T-A.
Other names: short protein forms C504*.
Identifiers: ClinVar variation 3660229 (VCV003660229.2).
Genomic context (GRCh38, chr15:40,200,354, plus strand): 5'-CGAGTCTCAGAAAATACCAGGAATGACTCTATCCAGTTCTGTTTGTCAAGTAAACTGTTG[T>A]GCCAGGTAAGACTACATAGGTGGAAGGGACAATGCATATAGGAGGGCATTTAGAACCAAC-3'